The following is an entry in ClinVar:

ClinVar aggregate classification (germline): Uncertain significance (1 of 4 stars; one submission).

Conditions:
Primary ciliary dyskinesia. Also called: Ciliary dyskinesia. Identifiers: Orphanet 244, MedGen C0008780, MONDO:0016575, HP:0012265.

Submission:

Labcorp Genetics (formerly Invitae), Labcorp
Classification: Uncertain significance for Primary ciliary dyskinesia. Last evaluated: 2023-01-15. Review status: criteria provided, single submitter. Criteria: Invitae Variant Classification Sherloc (09022015). Collection method: clinical testing. Allele origin: germline.
Comment: This variant is not present in population databases (gnomAD no frequency). This sequence change replaces arginine, which is basic and polar, with serine, which is neutral and polar, at codon 2096 of the DNAH8 protein (p.Arg2096Ser). This variant has not been reported in the literature in individuals affected with DNAH8-related conditions. In summary, the available evidence is currently insufficient to determine the role of this variant in disease. Therefore, it has been classified as a Variant of Uncertain Significance. Algorithms developed to predict the effect of sequence changes on RNA splicing suggest that this variant may create or strengthen a splice site. Advanced modeling of protein sequence and biophysical properties (such as structural, functional, and spatial information, amino acid conservation, physicochemical variation, residue mobility, and thermodynamic stability) performed at Invitae indicates that this missense variant is expected to disrupt DNAH8 protein function.

NM_001206927.2(DNAH8):c.6288A>C (p.Arg2096Ser)

Gene: DNAH8 (dynein axonemal heavy chain 8; plus strand). Cytogenetic location: 6p21.2.
Variant type: single nucleotide variant.
Coding change: c.6288A>C on transcript NM_001206927.2 (MANE Select); coding-DNA position 6288, A replaced by C.
Protein change: p.Arg2096Ser; replaces arginine 2096 with serine.
Molecular consequence: missense variant.
Genome position (GRCh38, 1-based): chr6:38,862,436, A>C. VCF-style: chr6-38862436-A-C. GRCh37 (hg19) VCF-style: chr6-38830212-A-C.
Other names: c.5637A>C, p.Arg1879Ser (NM_001371.4); short protein forms R2096S, R1879S.
Identifiers: ClinVar variation 2794162 (VCV002794162.3), dbSNP rs2532993172, ClinGen allele CA364022292.